The following is an entry in ClinVar:

ClinVar aggregate classification (germline): Uncertain significance (1 of 4 stars; one submission).

Submission:

Labcorp Genetics (formerly Invitae), Labcorp
Classification: Uncertain significance. Last evaluated: 2025-06-25. Review status: criteria provided, single submitter. Criteria: Invitae Variant Classification Sherloc (09022015). Collection method: clinical testing. Allele origin: germline.
Comment: This sequence change affects a donor splice site in intron 32 of the POLE gene. RNA analysis indicates that disruption of this splice site induces altered splicing and likely results in a shortened protein product. This variant is not present in population databases (gnomAD no frequency). This variant has not been reported in the literature in individuals affected with POLE-related conditions. ClinVar contains an entry for this variant (Variation ID: 3681606). Studies have shown that disruption of this splice site results in skipping of exon 32, but is expected to preserve the integrity of the reading-frame (internal data). In summary, the available evidence is currently insufficient to determine the role of this variant in disease. Therefore, it has been classified as a Variant of Uncertain Significance.

NM_006231.4(POLE):c.4149+2T>G

Gene: POLE (DNA polymerase epsilon, catalytic subunit; minus strand). Cytogenetic location: 12q24.33.
Variant type: single nucleotide variant.
Coding change: c.4149+2T>G on transcript NM_006231.4 (MANE Select); the canonical splice donor site of the intron after coding-DNA position 4149, T replaced by G.
Molecular consequence: splice donor variant.
Genome position (GRCh38, 1-based): chr12:132,648,927, A>C on the plus strand (T>G on the coding strand, the complement: POLE is on the minus strand). VCF-style: chr12-132648927-A-C. GRCh37 (hg19) VCF-style: chr12-133225513-A-C.
Identifiers: ClinVar variation 3681606 (VCV003681606.2).